The following is an entry in ClinVar:

ClinVar aggregate classification (germline): Uncertain significance. Review status: criteria provided, multiple submitters, no conflicts (2 of 4 stars). 3 submissions from 3 submitters: Uncertain significance (3). Last evaluated 2026-09-19.

Conditions:
Inborn genetic diseases. Identifiers: MedGen C0950123, MeSH D030342.
RAI1-related disorder. Also called: RAI1-related condition.

Allele frequency attached by ClinVar (database versions not stated): gnomAD exomes below 0.00001; gnomAD 0.00002.
gnomAD v4.1: 5 of 1,611,296 alleles (0.00031%); highest among the groups gnomAD compares: African/African-American, 0.004%; no homozygotes.

Submissions (3):

PreventionGenetics, part of Exact Sciences
Classification: Uncertain significance for RAI1-related condition. Last evaluated: 2026-09-19. Review status: criteria provided, single submitter. Criteria: ACMG Guidelines, 2015. Collection method: clinical testing. Allele origin: germline.
Comment: The RAI1 c.3620A>G variant is predicted to result in the amino acid substitution p.Lys1207Arg. To our knowledge, this variant has not been reported in the literature. This variant is reported in 0.0040% of alleles in individuals of African descent in gnomAD. At this time, the clinical significance of this variant is uncertain due to the absence of conclusive functional and genetic evidence.

Labcorp Genetics (formerly Invitae), Labcorp
Classification: Uncertain significance. Last evaluated: 2025-11-17. Review status: criteria provided, single submitter. Criteria: Invitae Variant Classification Sherloc (09022015). Collection method: clinical testing. Allele origin: germline.
Comment: This sequence change replaces lysine, which is basic and polar, with arginine, which is basic and polar, at codon 1207 of the RAI1 protein (p.Lys1207Arg). This variant is present in population databases (no rsID available, gnomAD 0.004%). This variant has not been reported in the literature in individuals affected with RAI1-related conditions. ClinVar contains an entry for this variant (Variation ID: 1733320). Invitae Evidence Modeling of protein sequence and biophysical properties (such as structural, functional, and spatial information, amino acid conservation, physicochemical variation, residue mobility, and thermodynamic stability) indicates that this missense variant is not expected to disrupt RAI1 protein function with a negative predictive value of 80%. In summary, the available evidence is currently insufficient to determine the role of this variant in disease. Therefore, it has been classified as a Variant of Uncertain Significance.

Ambry Genetics
Classification: Uncertain significance for Inborn genetic diseases. Last evaluated: 2019-04-16. Review status: criteria provided, single submitter. Criteria: Ambry Variant Classification Scheme 2023. Collection method: clinical testing. Allele origin: germline.
Comment: The p.K1207R variant (also known as c.3620A>G), located in coding exon 1 of the RAI1 gene, results from an A to G substitution at nucleotide position 3620. The lysine at codon 1207 is replaced by arginine, an amino acid with highly similar properties. This amino acid position is well conserved in available vertebrate species. In addition, this alteration is predicted to be tolerated by in silico analysis. Since supporting evidence is limited at this time, the clinical significance of this alteration remains unclear.

NM_030665.4(RAI1):c.3620A>G (p.Lys1207Arg)

Gene: RAI1 (retinoic acid induced 1; plus strand). Cytogenetic location: 17p11.2.
Variant type: single nucleotide variant.
Coding change: c.3620A>G on transcript NM_030665.4 (MANE Select); coding-DNA position 3620, A replaced by G.
Protein change: p.Lys1207Arg; replaces lysine 1207 with arginine.
Molecular consequence: missense variant.
Genome position (GRCh38, 1-based): chr17:17,796,568, A>G. VCF-style: chr17-17796568-A-G. GRCh37 (hg19) VCF-style: chr17-17699882-A-G.
Other names: short protein forms K1207R.
Identifiers: ClinVar variation 1733320 (VCV001733320.6), dbSNP rs1446610462, ClinGen allele CA398554594.